The following is an entry in ClinVar:

ClinVar aggregate classification (germline): Uncertain significance (1 of 4 stars; one submission).

Conditions:
Supravalvar aortic stenosis (SVAS). Also called: Supravalvar aortic stenosis, Eisenberg type. Identifiers: Orphanet 3193, MedGen C0003499, MONDO:0008504, OMIM 185500, HP:0004381.

gnomAD v4.1: 9 of 1,610,758 alleles (0.00056%); highest among the groups gnomAD compares: African/African-American, 0.004%; no homozygotes.

Submission:

Labcorp Genetics (formerly Invitae), Labcorp
Classification: Uncertain significance for Supravalvar aortic stenosis. Last evaluated: 2025-08-12. Review status: criteria provided, single submitter. Criteria: Invitae Variant Classification Sherloc (09022015). Collection method: clinical testing. Allele origin: germline.
Comment: This sequence change replaces alanine, which is neutral and non-polar, with valine, which is neutral and non-polar, at codon 2 of the ELN protein (p.Ala2Val). The frequency data for this variant in the population databases is considered unreliable, as metrics indicate poor data quality at this position in the gnomAD database. This variant has not been reported in the literature in individuals affected with ELN-related conditions. ClinVar contains an entry for this variant (Variation ID: 2073153). Invitae Evidence Modeling of protein sequence and biophysical properties (such as structural, functional, and spatial information, amino acid conservation, physicochemical variation, residue mobility, and thermodynamic stability) indicates that this missense variant is not expected to disrupt ELN protein function with a negative predictive value of 80%. In summary, the available evidence is currently insufficient to determine the role of this variant in disease. Therefore, it has been classified as a Variant of Uncertain Significance.

NM_000501.4(ELN):c.5C>T (p.Ala2Val)

Gene: ELN (elastin; plus strand). Cytogenetic location: 7q11.23.
Variant type: single nucleotide variant.
Coding change: c.5C>T on transcript NM_000501.4 (MANE Select); coding-DNA position 5, C replaced by T.
Protein change: p.Ala2Val; replaces alanine 2 with valine.
Molecular consequence: missense variant.
Genome position (GRCh38, 1-based): chr7:74,028,192, C>T. VCF-style: chr7-74028192-C-T. GRCh37 (hg19) VCF-style: chr7-73442522-C-T.
Other names: c.5C>T, p.Ala2Val (NM_001081752.3, NM_001081753.3, NM_001278912.2 and 9 more transcripts); short protein forms A2V.
Identifiers: ClinVar variation 2073153 (VCV002073153.4), dbSNP rs782766792, ClinGen allele CA4292205.
Genomic context (GRCh38, chr7:74,028,192, plus strand): 5'-TAGGCTTTGGGGATAAAACGAGGTGCGGAGAGCGGGCTGGGGCATTTCTCCCCGAGATGG[C>T]GGGTCTGACGGCGGCGGCCCCGCGGCCCGGAGTCCTCCTGCTCCTGCTGTCCATCCTCCA-3'
Protein context (NP_000492.2, residues 1-12): M[Ala2Val]GLTAAAPRPG